The following is an entry in ClinVar:

ClinVar aggregate classification (germline): Uncertain significance (1 of 4 stars; one submission).

gnomAD v4.1: 22 of 1,472,356 alleles (0.0015%); highest among the groups gnomAD compares: African/African-American, 0.015%; no homozygotes.

Submission:

GeneDx
Classification: Uncertain significance. Last evaluated: 2025-05-20. Review status: criteria provided, single submitter. Criteria: GeneDx Variant Classification Process June 2021. Collection method: clinical testing. Allele origin: germline. Affected: yes.
Comment: In silico analysis suggests that this variant does not alter splicing; Has not been previously published as pathogenic or benign to our knowledge

NM_000209.4(PDX1):c.851G>A (p.Ter284=)

Gene: PDX1 (pancreatic and duodenal homeobox 1; plus strand). Cytogenetic location: 13q12.2.
Variant type: single nucleotide variant.
Coding change: c.851G>A on transcript NM_000209.4 (MANE Select); coding-DNA position 851, G replaced by A.
Protein change: p.Ter284=.
Molecular consequence: synonymous variant.
Genome position (GRCh38, 1-based): chr13:27,924,700, G>A. VCF-style: chr13-27924700-G-A. GRCh37 (hg19) VCF-style: chr13-28498837-G-A.
Identifiers: ClinVar variation 4530979 (VCV004530979.1).